The following is an entry in ClinVar:

ClinVar aggregate classification (germline): Pathogenic. Review status: criteria provided, multiple submitters, no conflicts (2 of 4 stars). 3 submissions from 3 submitters: Pathogenic (3). Last evaluated 2022-04-06.

Conditions:
ARID1B-Related Disorder. Identifiers: MedGen CN381337.
Coffin Siris/Intellectual Disability. Identifiers: MedGen CN185481.

Submissions (3):

Blueprint Genetics
Classification: Pathogenic for ARID1B-related disorders. Last evaluated: 2022-04-06. Review status: criteria provided, single submitter. Criteria: ACMG Guidelines, 2015. Collection method: clinical testing. Allele origin: germline. Affected: yes. Observed: 1 variant allele.

GeneDx
Classification: Pathogenic. Last evaluated: 2021-10-08. Review status: criteria provided, single submitter. Criteria: GeneDx Variant Classification Process June 2021. Collection method: clinical testing. Allele origin: germline. Affected: yes.
Comment: Nonsense variant predicted to result in protein truncation or nonsense mediated decay in a gene for which loss-of-function is a known mechanism of disease; Not observed at significant frequency in large population cohorts (gnomAD); Has not been previously published as pathogenic or benign to our knowledge

Genetic Services Laboratory, University of Chicago
Classification: Pathogenic for Coffin Siris/Intellectual Disability. Last evaluated: 2014-02-17. Review status: criteria provided, single submitter. Criteria: ACMG Guidelines, 2007. Collection method: clinical testing. Allele origin: germline. Inheritance: Autosomal dominant inheritance. Affected: yes. Observed: 1 variant allele.

NM_001374828.1(ARID1B):c.4471C>T (p.Gln1491Ter)

Gene: ARID1B (AT-rich interaction domain 1B; plus strand). Cytogenetic location: 6q25.3.
Variant type: single nucleotide variant.
Coding change: c.4471C>T on transcript NM_001374828.1 (MANE Select); coding-DNA position 4471, C replaced by T.
Protein change: p.Gln1491Ter; replaces glutamine 1491 with a stop codon.
Molecular consequence: nonsense.
Genome position (GRCh38, 1-based): chr6:157,198,899, C>T. VCF-style: chr6-157198899-C-T. GRCh37 (hg19) VCF-style: chr6-157520033-C-T.
Other names: c.1972C>T, p.Gln658Ter (NM_001363725.2); c.4351C>T, p.Gln1451Ter (NM_001371656.1, NM_001374820.1); c.4312C>T, p.Gln1438Ter (NM_017519.3); c.4102C>T, p.Gln1368Ter (NM_020732.3); short protein forms Q1368*, Q658*, Q1438*, Q1451*, Q1491*.
Identifiers: ClinVar variation 126331 (VCV000126331.9), dbSNP rs587779745, ClinGen allele CA151059.